The following is an entry in ClinVar:

NM_000059.4(BRCA2):c.9253A>C (p.Thr3085Pro)

Gene: BRCA2 (BRCA2 DNA repair associated; plus strand). Cytogenetic location: 13q13.1.
Variant type: single nucleotide variant.
Coding change: c.9253A>C on transcript NM_000059.4 (MANE Select); coding-DNA position 9253, A replaced by C.
Protein change: p.Thr3085Pro; replaces threonine 3085 with proline.
Molecular consequence: missense variant.
Genome position (GRCh38, 1-based): chr13:32,380,142, A>C. VCF-style: chr13-32380142-A-C. GRCh37 (hg19) VCF-style: chr13-32954279-A-C.
Other names: 9481A>C; short protein forms T3085P.
Identifiers: ClinVar variation 38224 (VCV000038224.38), dbSNP rs397507423, ClinGen allele CA026053.

ClinVar aggregate classification (germline): Conflicting classifications of pathogenicity. Review status: criteria provided, conflicting classifications (1 of 4 stars). 11 submissions from 11 submitters: Uncertain significance (6); Likely benign (3). 2 of the submissions do not count toward it. Last evaluated 2025-10-13.

Conditions:
BRCA2-related disorder. Also called: BRCA2-related condition; BRCA2-related disorders. Identifiers: MedGen CN239275.
Hereditary cancer-predisposing syndrome. Also called: Tumor predisposition; Neoplastic Syndromes, Hereditary; Hereditary neoplastic syndrome; Hereditary Cancer Syndrome. Identifiers: Orphanet 140162, MedGen C0027672, MeSH D009386, MONDO:0015356.
Hereditary breast ovarian cancer syndrome. Also called: Hereditary breast and ovarian cancer; Hereditary breast and ovarian cancer syndrome (HBOC); Hereditary breast and/or ovarian cancer syndrome; Breast and ovarian cancer; Hereditary breast and ovarian cancer syndrome; BRCA1- and BRCA2-Associated Hereditary Breast and Ovarian Cancer. Identifiers: Orphanet 145, MedGen C0677776, MeSH D061325, MONDO:0003582. Disease mechanism: loss of function.
Breast-ovarian cancer, familial, susceptibility to, 2 (BROVCA2). Also called: BRCA2 Hereditary Breast and Ovarian Cancer. Identifiers: Orphanet 145, MedGen C2675520, MONDO:0012933, OMIM 612555. Disease mechanism: loss of function.

Allele frequency attached by ClinVar (database versions not stated): ExAC 0.00001; gnomAD exomes 0.00001 and 0.00003; gnomAD 0.00003; TOPMed 0.00008.
gnomAD v4.1: 11 of 1,612,668 alleles (0.00068%); highest among the groups gnomAD compares: Admixed American, 0.018%; no homozygotes.

Submissions (11):

Labcorp Genetics (formerly Invitae), Labcorp
Classification: Uncertain significance for Hereditary breast ovarian cancer syndrome. Last evaluated: 2025-10-13. Review status: criteria provided, single submitter. Criteria: Invitae Variant Classification Sherloc (09022015). Collection method: clinical testing. Allele origin: germline.
Comment: This sequence change replaces threonine, which is neutral and polar, with proline, which is neutral and non-polar, at codon 3085 of the BRCA2 protein (p.Thr3085Pro). This variant is present in population databases (rs397507423, gnomAD 0.02%). This missense change has been observed in individual(s) with breast cancer (PMID: 34196900). ClinVar contains an entry for this variant (Variation ID: 38224). Invitae Evidence Modeling of protein sequence and biophysical properties (such as structural, functional, and spatial information, amino acid conservation, physicochemical variation, residue mobility, and thermodynamic stability) indicates that this missense variant is not expected to disrupt BRCA2 protein function with a negative predictive value of 95%. In summary, the available evidence is currently insufficient to determine the role of this variant in disease. Therefore, it has been classified as a Variant of Uncertain Significance.

Ambry Genetics
Classification: Likely benign for Hereditary cancer-predisposing syndrome. Last evaluated: 2025-05-15. Review status: criteria provided, single submitter. Criteria: Ambry Variant Classification Scheme 2023. Collection method: clinical testing. Allele origin: germline.

Women's Health and Genetics/Laboratory Corporation of America, LabCorp
Classification: Uncertain significance. Last evaluated: 2025-04-25. Review status: criteria provided, single submitter. Criteria: LabCorp Variant Classification Summary - May 2015. Collection method: clinical testing. Allele origin: germline.
Comment: Variant summary: BRCA2 c.9253A>C (p.Thr3085Pro) results in a non-conservative amino acid change in the encoded protein sequence. Four of five in-silico tools predict a benign effect of the variant on protein function. The variant allele was found at a frequency of 3.2e-05 in 250264 control chromosomes, predominantly at a frequency of 0.0002 within the Latino subpopulation in the gnomAD database. The available data on variant occurrences in the general population are insufficient to allow any conclusion about variant significance. To our knowledge, no segregation of c.9253A>C in individuals affected with Hereditary Breast And Ovarian Cancer Syndrome and no experimental evidence demonstrating its impact on protein function have been reported. Internal data suggest this variant frequently occurs in cis with c.9235delG (p.Val3079Phefs*4). The following publication has been ascertained in the context of this evaluation (PMID: 34196900). ClinVar contains an entry for this variant (Variation ID: 38224). Based on the evidence outlined above, the variant was classified as uncertain significance.

Quest Diagnostics Nichols Institute San Juan Capistrano
Classification: Uncertain significance. Last evaluated: 2025-03-06. Review status: criteria provided, single submitter. Criteria: Quest Diagnostics criteria. Collection method: clinical testing. Allele origin: unknown.
Comment: The BRCA2 c.9253A>C (p.Thr3085Pro) variant has been reported in individuals with breast cancer (PMID: 34196900 (2021)) and colorectal cancer (PMID: 28591715 (2017)). This variant has also been identified in a reportedly healthy individual (PMID: 3060528 (2019)). The frequency of this variant in the general population (Genome Aggregation Database) is uninformative in the assessment of its pathogenicity. Analysis of this variant using bioinformatics tools for the prediction of the effect of amino acid changes on protein structure and function yielded predictions that this variant is benign. Based on the available information, we are unable to determine the clinical significance of this variant.

PreventionGenetics, part of Exact Sciences
Classification: Uncertain significance for BRCA2-related condition. Last evaluated: 2022-11-17. Review status: criteria provided, single submitter. Criteria: ACMG Guidelines, 2015. Collection method: clinical testing. Allele origin: germline.
Comment: The BRCA2 c.9253A>C variant is predicted to result in the amino acid substitution p.Thr3085Pro. To our knowledge, this variant has not been reported in the literature. This variant is reported in 0.020% of alleles in individuals of Latino descent in gnomAD. In ClinVar, this variant has conflicting interpretations of likely benign and uncertain significance. At this time, the clinical significance of this variant is uncertain due to the absence of conclusive functional and genetic evidence.

Institute for Biomarker Research, Medical Diagnostic Laboratories, L.L.C.
Classification: Uncertain significance for Hereditary breast ovarian cancer syndrome. Last evaluated: 2022-06-02. Review status: criteria provided, single submitter. Criteria: ACMG Guidelines, 2015. Collection method: clinical testing. Allele origin: germline.

Color Diagnostics, LLC DBA Color Health
Classification: Uncertain significance for Hereditary cancer-predisposing syndrome. Last evaluated: 2020-01-31. Review status: criteria provided, single submitter. Criteria: ACMG Guidelines, 2015. Collection method: clinical testing. Allele origin: germline.
Comment: This missense variant replaces threonine with proline at codon 3085 of the BRCA2 protein. Computational prediction suggests that this variant may not impact protein structure and function (internally defined REVEL score threshold <= 0.5, PMID: 27666373). Splice site prediction tools suggest that this variant may not impact RNA splicing. To our knowledge, functional studies have not been performed for this variant. This variant has not been reported in individuals affected with hereditary cancer in the literature. This variant has been identified in 8/250264 chromosomes in the general population by the Genome Aggregation Database (gnomAD). The available evidence is insufficient to determine the role of this variant in disease conclusively. Therefore, this variant is classified as a Variant of Uncertain Significance.

GeneDx
Classification: Likely benign. Last evaluated: 2019-10-18. Review status: criteria provided, single submitter. Criteria: GeneDx Variant Classification Process June 2021. Collection method: clinical testing. Allele origin: germline. Affected: yes.
Comment: In silico analysis, which includes protein predictors and evolutionary conservation, supports that this variant does not alter protein structure/function; Has not been previously published as pathogenic or benign to our knowledge; This variant is associated with the following publications: (PMID: 28591715)

ARUP Laboratories, Molecular Genetics and Genomics, ARUP Laboratories
Classification: Likely benign. Last evaluated: 2016-11-21. Review status: criteria provided, single submitter. Criteria: ARUP Molecular Germline Variant Investigation Process. Collection method: clinical testing. Allele origin: germline.

Sharing Clinical Reports Project (SCRP)
Classification: Uncertain significance for Breast-ovarian cancer, familial 2. Last evaluated: 2009-01-08. Review status: no assertion criteria provided. Collection method: clinical testing. Allele origin: germline. Not counted in ClinVar's aggregate classification.

Department of Pathology and Laboratory Medicine, Sinai Health System
Classification: Likely benign for Breast-ovarian cancer, familial, susceptibility to, 2. Review status: no assertion criteria provided. Collection method: clinical testing. Allele origin: unknown. Affected: yes. Study: The Canadian Open Genetics Repository (COGR). Not counted in ClinVar's aggregate classification.
Comment: The p.Thr3085Pro variant was not identified in the literature. This residue is not conserved in mammals and the variant residue proline (Pro) is found in opossum, increasing the likelihood this variant does not have clinical significance. Furthermore, computational analyses (PolyPhen2, SIFT, AlignGVGD) do not suggest a high likelihood of impact to the protein. However, this information is not predictive enough to rule out pathogenicity. In summary, base on the above information, the clinical significance of this variant cannot be determined with certainty at this time, although we would lean towards a more benign role for this variant. This variant is classified as predicted benign.

Literature cited by the submitters: PubMed 34196900 (cited by 4 submitters); PubMed 30630528 (cited by Quest Diagnostics Nichols Institute San Juan Capistrano); PubMed 28591715 (cited by Quest Diagnostics Nichols Institute San Juan Capistrano).